The following is an entry in ClinVar:

NM_020297.4(ABCC9):c.3118A>G (p.Ser1040Gly)

Gene: ABCC9 (ATP binding cassette subfamily C member 9; minus strand). Cytogenetic location: 12p12.1.
Variant type: single nucleotide variant.
Coding change: c.3118A>G on transcript NM_020297.4 (MANE Select); coding-DNA position 3118, A replaced by G.
Protein change: p.Ser1040Gly; replaces serine 1040 with glycine.
Molecular consequence: missense variant.
Genome position (GRCh38, 1-based): chr12:21,844,894, T>C on the plus strand (A>G on the coding strand, the complement: ABCC9 is on the minus strand). VCF-style: chr12-21844894-T-C. GRCh37 (hg19) VCF-style: chr12-21997828-T-C.
Other names: c.3118A>G, p.Ser1040Gly (NM_001377273.1, NM_005691.4); c.2251A>G, p.Ser751Gly (NM_001377274.1); short protein forms S1040G, S751G.
Identifiers: ClinVar variation 3991627 (VCV003991627.1).

ClinVar aggregate classification (germline): Uncertain significance (1 of 4 stars; one submission).

Conditions:
Cardiovascular phenotype. Identifiers: MedGen CN230736.

Submission:

Ambry Genetics
Classification: Uncertain significance for Cardiovascular phenotype. Last evaluated: 2025-05-08. Review status: criteria provided, single submitter. Criteria: Ambry Variant Classification Scheme 2023. Collection method: clinical testing. Allele origin: germline.
Comment: The p.S1040G variant (also known as c.3118A>G), located in coding exon 25 of the ABCC9 gene, results from an A to G substitution at nucleotide position 3118. The serine at codon 1040 is replaced by glycine, an amino acid with similar properties. This amino acid position is not well conserved in available vertebrate species. In addition, this alteration is predicted to be tolerated by in silico analysis. Based on the available evidence, the clinical significance of this variant remains unclear.